The following is an entry in ClinVar:

ClinVar aggregate classification (germline): Uncertain significance (1 of 4 stars; one submission).

Submission:

Labcorp Genetics (formerly Invitae), Labcorp
Classification: Uncertain significance. Last evaluated: 2024-08-15. Review status: criteria provided, single submitter. Criteria: Invitae Variant Classification Sherloc (09022015). Collection method: clinical testing. Allele origin: germline.
Comment: This sequence change affects codon 1060 of the CAD mRNA. It is a 'silent' change, meaning that it does not change the encoded amino acid sequence of the CAD protein. This variant is not present in population databases (gnomAD no frequency). This variant has not been reported in the literature in individuals affected with CAD-related conditions. Algorithms developed to predict the effect of sequence changes on RNA splicing suggest that this variant may create or strengthen a splice site. In summary, the available evidence is currently insufficient to determine the role of this variant in disease. Therefore, it has been classified as a Variant of Uncertain Significance.

NM_004341.5(CAD):c.3180C>T (p.Ile1060=)

Gene: CAD (carbamoyl-phosphate synthetase 2, aspartate transcarbamylase, and dihydroorotase; plus strand). Cytogenetic location: 2p23.3.
Variant type: single nucleotide variant.
Coding change: c.3180C>T on transcript NM_004341.5 (MANE Select); coding-DNA position 3180, C replaced by T.
Protein change: p.Ile1060=; no amino-acid change (isoleucine 1060 retained).
Molecular consequence: synonymous variant.
Genome position (GRCh38, 1-based): chr2:27,233,500, C>T. VCF-style: chr2-27233500-C-T. GRCh37 (hg19) VCF-style: chr2-27456368-C-T.
Other names: c.2991C>T, p.Ile997= (NM_001306079.2).
Identifiers: ClinVar variation 3608191 (VCV003608191.2).